The following is an entry in ClinVar:

ClinVar aggregate classification (germline): Uncertain significance (1 of 4 stars; one submission).

Submission:

Dasa
Classification: Uncertain significance. Last evaluated: 2025-07-15. Review status: criteria provided, single submitter. Criteria: DASA Assertion Criteria. Collection method: clinical testing. Allele origin: germline.
Comment: NM_020719.3(PRR12):c.1508_1522dup (p.Tyr507_Gly508insGluGlyGlnLeuTyr) is an in-frame insertion/deletion-insertion predicted to alter the protein sequence without shifting the reading frame. This variant is absent from population databases. The currently available literature and clinical evidence are not sufficient to establish a definitive association between this variant and the reported condition. Therefore, this variant is classified as a variant of uncertain significance.

NM_020719.3(PRR12):c.1508_1522dup (p.Tyr507_Gly508insGluGlyGlnLeuTyr)

Gene: PRR12 (proline rich 12; plus strand). Cytogenetic location: 19q13.33.
Variant type: Duplication.
Coding change: c.1508_1522dup on transcript NM_020719.3 (MANE Select); coding-DNA positions 1508 to 1522, 15 bases duplicated (AGGGGCAGCTGTATG).
Protein change: p.Tyr507_Gly508insGluGlyGlnLeuTyr.
Molecular consequence: inframe insertion.
Genome position (GRCh38, 1-based): chr19:49,595,843-49,595,857, AGGGGCAGCTGTATG duplicated. VCF-style (leftmost placement, unchanged base first): chr19-49595842-C-CAGGGGCAGCTGTATG. GRCh37 (hg19) VCF-style: chr19-50099099-C-CAGGGGCAGCTGTATG.
Identifiers: ClinVar variation 4886371 (VCV004886371.2).